The following is an entry in ClinVar:

ClinVar aggregate classification (germline): Likely pathogenic. Review status: criteria provided, multiple submitters, no conflicts (2 of 4 stars). 3 submissions from 3 submitters: Likely pathogenic (2). 1 of the submissions does not count toward it. Last evaluated 2023-06-15.

Conditions:
Microcephaly-capillary malformation syndrome (MICCAP). Identifiers: Orphanet 294016, MedGen C3280296, MONDO:0013659, OMIM 614261.

Allele frequency attached by ClinVar (database versions not stated): gnomAD exomes below 0.00001; gnomAD 0.00001; TOPMed 0.00002.
gnomAD v4.1: 2 of 1,614,094 alleles (0.00012%); highest among the groups gnomAD compares: African/African-American, 0.0013%; no homozygotes.

Submissions (3):

GeneDx
Classification: Likely pathogenic. Last evaluated: 2023-06-15. Review status: criteria provided, single submitter. Criteria: GeneDx Variant Classification Process June 2021. Collection method: clinical testing. Allele origin: germline. Affected: yes.
Comment: Not observed at significant frequency in large population cohorts (gnomAD); In silico analysis supports that this missense variant has a deleterious effect on protein structure/function; This variant is associated with the following publications: (PMID: 21815250, 23542699)

Genetic Services Laboratory, University of Chicago
Classification: Likely pathogenic for Microcephaly-capillary malformation syndrome. Last evaluated: 2017-04-19. Review status: criteria provided, single submitter. Criteria: ACMG Guidelines, 2015. Collection method: clinical testing. Allele origin: germline. Affected: yes.

OMIM
Classification: Pathogenic for MICROCEPHALY-CAPILLARY MALFORMATION SYNDROME. Last evaluated: 2013-05-01. Review status: no assertion criteria provided. Collection method: literature only. Allele origin: germline. Not counted in ClinVar's aggregate classification.

Literature cited by the submitters: PubMed 21815250 (cited by OMIM); PubMed 23542699 (cited by OMIM).

NM_213622.4(STAMBP):c.125A>G (p.Glu42Gly)

Genes: STAMBP (STAM binding protein; plus strand), LOC126806253 (CDK7 strongly-dependent group 2 enhancer GRCh37_chr2:74057585-74058784; plus strand). Cytogenetic location: 2p13.1.
Variant type: single nucleotide variant.
Coding change: c.125A>G on transcript NM_213622.4 (MANE Select); coding-DNA position 125, A replaced by G.
Protein change: p.Glu42Gly; replaces glutamic acid 42 with glycine.
Molecular consequence: missense variant. On other transcripts: 5 prime UTR variant (5), non-coding transcript variant (4), intron variant (1).
Genome position (GRCh38, 1-based): chr2:73,830,981, A>G. VCF-style: chr2-73830981-A-G. GRCh37 (hg19) VCF-style: chr2-74058108-A-G.
Other names: c.125A>G, p.Glu42Gly (NM_001353967.2, NM_001353968.2, NM_001353969.2 and 3 more transcripts); c.-429A>G (NM_001353971.2, NM_001353973.2, NM_001353974.2 and 2 more transcripts); c.-203+1985A>G (NM_001353972.2); short protein forms E42G.
Identifiers: ClinVar variation 50791 (VCV000050791.7), dbSNP rs397509387, ClinGen allele CA263222.
Genomic context (GRCh38, chr2:73,830,981, plus strand): 5'-GTAGTGCGGTAGAGGTGAATGAAGACATTCCACCCCGTCGGTACTTCCGCTCTGGAGTTG[A>G]GATTATCCGAATGGCATCCATTTACTCTGAGGAAGGCAACATTGAACATGCCTTCATCCT-3'
Protein context (NP_998787.1, residues 32-52): PPRRYFRSGV[Glu42Gly]IIRMASIYSE